The following is an entry in ClinVar:

NM_001080516.2(GRXCR2):c.277G>T (p.Ala93Ser)

Gene: GRXCR2 (glutaredoxin and cysteine rich domain containing 2; minus strand). Cytogenetic location: 5q32.
Variant type: single nucleotide variant.
Coding change: c.277G>T on transcript NM_001080516.2 (MANE Select); coding-DNA position 277, G replaced by T.
Protein change: p.Ala93Ser; replaces alanine 93 with serine.
Molecular consequence: missense variant.
Genome position (GRCh38, 1-based): chr5:145,872,692, C>A on the plus strand (G>T on the coding strand, the complement: GRXCR2 is on the minus strand). VCF-style: chr5-145872692-C-A. GRCh37 (hg19) VCF-style: chr5-145252255-C-A.
Other names: short protein forms A93S.
Identifiers: ClinVar variation 1449874 (VCV001449874.4), dbSNP rs756547626, ClinGen allele CA3488070.

ClinVar aggregate classification (germline): Uncertain significance (1 of 4 stars; one submission).

Allele frequency attached by ClinVar (database versions not stated): ExAC 0.00001.
gnomAD v4.1: 6 of 1,613,444 alleles (0.00037%); highest among the groups gnomAD compares: South Asian, 0.0033%; no homozygotes.

Submission:

Labcorp Genetics (formerly Invitae), Labcorp
Classification: Uncertain significance. Last evaluated: 2021-10-04. Review status: criteria provided, single submitter. Criteria: Invitae Variant Classification Sherloc (09022015). Collection method: clinical testing. Allele origin: germline.
Comment: In summary, the available evidence is currently insufficient to determine the role of this variant in disease. Therefore, it has been classified as a Variant of Uncertain Significance. Algorithms developed to predict the effect of missense changes on protein structure and function (SIFT, PolyPhen-2, Align-GVGD) all suggest that this variant is likely to be tolerated. This variant has not been reported in the literature in individuals affected with GRXCR2-related conditions. This variant is present in population databases (rs756547626, ExAC 0.009%). This sequence change replaces alanine with serine at codon 93 of the GRXCR2 protein (p.Ala93Ser). The alanine residue is highly conserved and there is a moderate physicochemical difference between alanine and serine.